The following is an entry in ClinVar:

ClinVar aggregate classification (germline): Likely pathogenic (1 of 4 stars; one submission).

Conditions:
LAMA2-related muscular dystrophy (LAMA2-RD). Also called: Laminin alpha 2-related dystrophy. Identifiers: MedGen C5679788, MONDO:0100228.

Submission:

Myriad Genetics, Inc.
Classification: Likely pathogenic for LAMA2-related muscular dystrophy. Last evaluated: 2022-03-29. Review status: criteria provided, single submitter. Criteria: Myriad Autosomal Dominant, Autosomal Recessive and X-Linked Classification Criteria (2023). Collection method: clinical testing. Allele origin: unknown.
Comment: NM_000426.3(LAMA2):c.4752_4753delTG(D1585Lfs*22) is expected to be pathogenic in the context of muscular dystrophy, LAMA2-related. This variant is predicted to lead to an abnormal or absent protein product due to the creation of a premature termination codon in LAMA2, a gene where loss-of-function variants are known to be pathogenic. Please note: this variant was assessed in the context of healthy population screening.

NM_000426.4(LAMA2):c.4752_4753del (p.Asp1585fs)

Gene: LAMA2 (laminin subunit alpha 2; plus strand). Cytogenetic location: 6q22.33.
Variant type: Deletion.
Coding change: c.4752_4753del on transcript NM_000426.4 (MANE Select); coding-DNA positions 4752 to 4753, 2 bases deleted (TG; older notation c.4752_4753delTG).
Protein change: p.Asp1585fs; shifts the reading frame from aspartic acid 1585.
Molecular consequence: frameshift variant.
Genome position (GRCh38, 1-based): chr6:129,366,253-129,366,254, TG deleted; deleting any 2 consecutive bases within chr6:129,366,252-129,366,254 gives the same sequence; the c. name uses the placement nearest the transcript's 3' end. VCF-style (leftmost placement, unchanged base first): chr6-129366251-GGT-G. GRCh37 (hg19) VCF-style: chr6-129687396-GGT-G.
Other names: c.4752_4753del, p.Asp1585fs (NM_001079823.2); short protein forms D1585fs.
Identifiers: ClinVar variation 1725492 (VCV001725492.3), dbSNP rs2482626823, ClinGen allele CA2580074948.